The following is an entry in ClinVar:

NM_001001557.4(GDF6):c.377C>T (p.Thr126Met)

Gene: GDF6 (growth differentiation factor 6; minus strand). Cytogenetic location: 8q22.1.
Variant type: single nucleotide variant.
Coding change: c.377C>T on transcript NM_001001557.4 (MANE Select); coding-DNA position 377, C replaced by T.
Protein change: p.Thr126Met; replaces threonine 126 with methionine.
Molecular consequence: missense variant.
Genome position (GRCh38, 1-based): chr8:96,160,316, G>A on the plus strand (C>T on the coding strand, the complement: GDF6 is on the minus strand). VCF-style: chr8-96160316-G-A. GRCh37 (hg19) VCF-style: chr8-97172544-G-A.
Other names: c.377C>T (NM_001001557.2); short protein forms T126M.
Identifiers: ClinVar variation 1008100 (VCV001008100.10), dbSNP rs536331514, ClinGen allele CA4815488.

ClinVar aggregate classification (germline): Uncertain significance. Review status: criteria provided, multiple submitters, no conflicts (2 of 4 stars). 2 submissions from 2 submitters: Uncertain significance (2). Last evaluated 2025-09-10.

Conditions:
Klippel-Feil syndrome 1, autosomal dominant (KFS1). Also called: CERVICAL VERTEBRAL FUSION, AUTOSOMAL DOMINANT. Identifiers: Orphanet 2345, MedGen C1861689, MONDO:0007306, OMIM 118100.
Leber congenital amaurosis 17 (LCA17). Identifiers: Orphanet 65, MedGen C3715164, MONDO:0014145, OMIM 615360.
Isolated microphthalmia 4. Identifiers: Orphanet 2542, MedGen C2751307, MONDO:0013130, OMIM 613094.
Microphthalmia, isolated, with coloboma 6 (MCOPCB6). Also called: Microphthalmia with coloboma 6, digenic; Microphthalmia with coloboma 6; MICROPHTHALMIA/COLOBOMA 6. Identifiers: Orphanet 98938, MedGen C3150968, MONDO:0013376, OMIM 613703.
Inborn genetic diseases. Identifiers: MedGen C0950123, MeSH D030342.

Allele frequency attached by ClinVar (database versions not stated): gnomAD exomes 0.00002; TOPMed 0.00002; 1000 Genomes Project 0.00020; 1000 Genomes Project 30x 0.00016; gnomAD below 0.00001 and 0.00002; ExAC 0.00002.
gnomAD v4.1: 31 of 1,614,242 alleles (0.0019%); highest among the groups gnomAD compares: East Asian, 0.042%; no homozygotes.

Submissions (2):

Labcorp Genetics (formerly Invitae), Labcorp
Classification: Uncertain significance for Isolated microphthalmia 4; Leber congenital amaurosis 17; Klippel-Feil syndrome 1, autosomal dominant; Microphthalmia, isolated, with coloboma 6. Last evaluated: 2025-09-10. Review status: criteria provided, single submitter. Criteria: Invitae Variant Classification Sherloc (09022015). Collection method: clinical testing. Allele origin: germline.
Comment: This sequence change replaces threonine, which is neutral and polar, with methionine, which is neutral and non-polar, at codon 126 of the GDF6 protein (p.Thr126Met). This variant is present in population databases (rs536331514, gnomAD 0.01%). This variant has not been reported in the literature in individuals affected with GDF6-related conditions. ClinVar contains an entry for this variant (Variation ID: 1008100). Invitae Evidence Modeling of protein sequence and biophysical properties (such as structural, functional, and spatial information, amino acid conservation, physicochemical variation, residue mobility, and thermodynamic stability) indicates that this missense variant is not expected to disrupt GDF6 protein function with a negative predictive value of 80%. In summary, the available evidence is currently insufficient to determine the role of this variant in disease. Therefore, it has been classified as a Variant of Uncertain Significance.

Ambry Genetics
Classification: Uncertain significance for Inborn genetic diseases. Last evaluated: 2023-12-17. Review status: criteria provided, single submitter. Criteria: Ambry Variant Classification Scheme 2023. Collection method: clinical testing. Allele origin: germline.